The following is an entry in ClinVar:

ClinVar aggregate classification (germline): Uncertain significance (1 of 4 stars; one submission).

Conditions:
Spinocerebellar ataxia type 15/16 (SCA15). Also called: Spinocerebellar Ataxia Type 15. Identifiers: Orphanet 98769, MedGen C1847725, MONDO:0011694, OMIM 606658.

gnomAD v4.1: 1 of 1,599,300 alleles (0.000063%); highest among the groups gnomAD compares: Middle Eastern, 0.017%; no homozygotes.

Submission:

3billion
Classification: Uncertain significance for Spinocerebellar ataxia type 15/16. Last evaluated: 2023-08-08. Review status: criteria provided, single submitter. Criteria: ACMG Guidelines, 2015. Collection method: clinical testing. Allele origin: germline. Affected: yes.
Comment: The variant is not observed in the gnomAD v2.1.1 dataset. Predicted Consequence/Location: Missense changes are a common disease-causing mechanism. In silico tool predictions suggest damaging effect of the variant on gene or gene product [REVEL: 0.60 (>=0.6, sensitivity 0.68 and specificity 0.92)]. Therefore, this variant is classified as VUS according to the recommendation of ACMG/AMP guideline.

NM_001378452.1(ITPR1):c.2540A>T (p.Asp847Val)

Gene: ITPR1 (inositol 1,4,5-trisphosphate receptor type 1; plus strand). Cytogenetic location: 3p26.1.
Variant type: single nucleotide variant.
Coding change: c.2540A>T on transcript NM_001378452.1 (MANE Select); coding-DNA position 2540, A replaced by T.
Protein change: p.Asp847Val; replaces aspartic acid 847 with valine.
Molecular consequence: missense variant.
Genome position (GRCh38, 1-based): chr3:4,674,285, A>T. VCF-style: chr3-4674285-A-T. GRCh37 (hg19) VCF-style: chr3-4715969-A-T.
Other names: c.2540A>T, p.Asp847Val (NM_001099952.4); c.2495A>T, p.Asp832Val (NM_001168272.2, NM_002222.7); short protein forms D832V, D847V.
Identifiers: ClinVar variation 3776148 (VCV003776148.1).
Genomic context (GRCh38, chr3:4,674,285, plus strand): 5'-AAGATGAAATTAAGGAGAGATTTGCTCAGACCATGGAGTTTGTGGAGGAGTATTTAAGAG[A>T]TGTGGTTTGTCAGAGGTTCCCTTTCTCTGATAAAGAGAAGAATAAGCTTACGTTTGAGGT-3'
Protein context (NP_001365381.1, residues 837-857): TMEFVEEYLR[Asp847Val]VVCQRFPFSD